The following continues an entry in ClinVar:

NM_007294.4(BRCA1):c.121C>T (p.His41Tyr)

Gene: BRCA1. ClinVar aggregate classification (germline): Pathogenic/Likely pathogenic. Pathogenic (4); Likely pathogenic (4).

Submissions 8 to 11 of 11:

Cancer Variant Interpretation Group UK, Institute of Cancer Research, London
Classification: Pathogenic for Hereditary Breast and Ovarian Cancer. Last evaluated: 2020-09-14. Review status: criteria provided, single submitter. Criteria: ACMG Guidelines, 2015. Collection method: clinical testing. Allele origin: germline. Affected: yes. Observed: 1 variant allele.
Comment: The variant is absent from GNOMAD (PM2_sup), predicted deleterious on multiple in silico tools including REVEL 0.9 (PP3_sup), affects the same amino acid residue as c.122A>G p.(His41Arg) (PM5_mod), with this residue recognised by ENIGMA as of functional importance (PM1_mod). The variant is non-functional on saturation genome editing in haploid BRCA1 cellular model (Findlay et al 2018, PMID: 30209399) (PS3_Strong). Data not included in classification: Recent (2019-2020) classification as LP/P from Invitae and Color

KCCC/NGS Laboratory, Kuwait Cancer Control Center
Classification: Pathogenic for Breast-ovarian cancer, familial, susceptibility to, 1. Last evaluated: 2023-05-05. Review status: no assertion criteria provided. Collection method: clinical testing. Allele origin: germline. Affected: yes. Not counted in ClinVar's aggregate classification.
Comment: BRCA1 (p.His41Tyr): This sequence change replaces histidine with tyrosine at codon 41 of the BRCA1 protein (p.His41Tyr). The histidine residue is highly conserved and there is a moderate physicochemical difference between histidine and tyrosine. This variant is not present in population databases (gnomAD exomes, gnomAD genomes). This variant has been observed in an individual affected with breast cancer (PMID: 28486781). ClinVar contains an entry for this variant (Variation ID: 580736). ClinVar classifies this variant as Pathogenic, rated 2 stars, with 4 submissions, 8 publications (15168169, 16403807, 20103620, 21725363, 23161852 and 3 more) and no conflicts. This variant has been reported to affect BRCA1 protein function (PMID: 25823446, 30209399). This variant disrupts the p.His41 amino acid residue in BRCA1. Other variant(s) that disrupt this residue have been determined to be pathogenic (PMID: 15168169, 24489791, 16403807, 23161852, 20103620, 21725363, 30209399). Therefore, this variant has been classified as Pathogenic.

Molecular Oncology, Hospital Universitario Central de Asturias (HUCA)
Classification: Pathogenic for Breast-ovarian cancer, familial, susceptibility to, 1. Last evaluated: 2021-05-24. Review status: no assertion criteria provided. Collection method: case-control. Allele origin: germline. Affected: yes. Not counted in ClinVar's aggregate classification.

Brotman Baty Institute, University of Washington
No classification provided (evidence only). Condition: Breast-ovarian cancer, familial 1. Review status: no classification provided. Collection method: in vitro. Allele origin: not applicable. Functional consequence: functionally_abnormal. Not counted in ClinVar's aggregate classification.
ClinVar note: "not provided" was previously submitted as the classification for the variant. However, the classification appeared to be based only on an observation of functional data so it was converted to no classification on 2025-07-30.

Literature cited by the submitters: PubMed 28486781 (cited by 4 submitters); PubMed 30209399 (cited by 5 submitters); PubMed 25823446 (cited by 4 submitters); PubMed 15168169 (cited by Labcorp Genetics (formerly Invitae), Labcorp); PubMed 16403807 (cited by 3 submitters); PubMed 20103620 (cited by Labcorp Genetics (formerly Invitae), Labcorp); PubMed 21725363 (cited by Labcorp Genetics (formerly Invitae), Labcorp); PubMed 23161852 (cited by Labcorp Genetics (formerly Invitae), Labcorp); PubMed 24489791 (cited by Labcorp Genetics (formerly Invitae), Labcorp); PubMed 32733560 (cited by 3 submitters); PubMed 33067490 (cited by All of Us Research Program, National Institutes of Health and Color Diagnostics, LLC DBA Color Health); PubMed 11573085 (cited by Ambry Genetics); PubMed 12732733 (cited by Ambry Genetics); PubMed 20104584 (cited by KCCC/NGS Laboratory, Kuwait Cancer Control Center); PubMed 38922859 (cited by Molecular Oncology, Hospital Universitario Central de Asturias (HUCA)).